The following is an entry in ClinVar:

NM_001099922.3(ALG13):c.1210G>A (p.Glu404Lys)

Gene: ALG13 (ALG13 UDP-N-acetylglucosaminyltransferase subunit; plus strand). Cytogenetic location: Xq23.
Variant type: single nucleotide variant.
Coding change: c.1210G>A on transcript NM_001099922.3 (MANE Select); coding-DNA position 1210, G replaced by A.
Protein change: p.Glu404Lys; replaces glutamic acid 404 with lysine.
Molecular consequence: missense variant. On other transcripts: non-coding transcript variant (1).
Genome position (GRCh38, 1-based): chrX:111,718,234, G>A. VCF-style: chrX-111718234-G-A. GRCh37 (hg19) VCF-style: chrX-110961462-G-A.
Other names: c.898G>A, p.Glu300Lys (NM_001257230.2, NM_001257234.2, NM_001257237.2 and 1 more transcripts); c.976G>A, p.Glu326Lys (NM_001257231.2); c.1210G>A, p.Glu404Lys (NM_001324292.2); short protein forms E300K, E326K, E404K.
Identifiers: ClinVar variation 982621 (VCV000982621.7), dbSNP rs1272022379, ClinGen allele CA414251119.

ClinVar aggregate classification (germline): Conflicting classifications of pathogenicity. Review status: criteria provided, conflicting classifications (1 of 4 stars). 3 submissions from 3 submitters: Uncertain significance (2); Likely benign (1). Last evaluated 2024-09-20.

Conditions:
Developmental and epileptic encephalopathy, 36 (DEE36). Also called: ALG13-CDG; Congenital disorder of glycosylation, type Is; Epileptic encephalopathy, early infantile, 36. Identifiers: Orphanet 324422, MedGen C4317295, MONDO:0010472, OMIM 300884.
Intellectual disability. Also called: Intellectual functioning disability; intellectual disabilities; Intellectual developmental disorder. Identifiers: MedGen C3714756, MeSH D008607, MONDO:0001071, HP:0001249.

Allele frequency attached by ClinVar (database versions not stated): TOPMed 0.00001; gnomAD 0.00002; gnomAD exomes 0.00001.
gnomAD v4.1: 11 of 1,193,345 alleles (0.00092%); highest among the groups gnomAD compares: South Asian, 0.0055%; no homozygotes.

Submissions (3):

Labcorp Genetics (formerly Invitae), Labcorp
Classification: Uncertain significance for Developmental and epileptic encephalopathy, 36. Last evaluated: 2024-09-20. Review status: criteria provided, single submitter. Criteria: Invitae Variant Classification Sherloc (09022015). Collection method: clinical testing. Allele origin: germline.
Comment: This sequence change replaces glutamic acid, which is acidic and polar, with lysine, which is basic and polar, at codon 404 of the ALG13 protein (p.Glu404Lys). The frequency data for this variant in the population databases is considered unreliable, as metrics indicate poor data quality at this position in the gnomAD database. This variant has not been reported in the literature in individuals affected with ALG13-related conditions. ClinVar contains an entry for this variant (Variation ID: 982621). Invitae Evidence Modeling of protein sequence and biophysical properties (such as structural, functional, and spatial information, amino acid conservation, physicochemical variation, residue mobility, and thermodynamic stability) indicates that this missense variant is not expected to disrupt ALG13 protein function with a negative predictive value of 80%. In summary, the available evidence is currently insufficient to determine the role of this variant in disease. Therefore, it has been classified as a Variant of Uncertain Significance.

Cambridge Genomics Laboratory, East Genomic Laboratory Hub, NHS Genomic Medicine Service
Classification: Uncertain significance for Intellectual disability. Last evaluated: 2019-07-29. Review status: criteria provided, single submitter. Criteria: ACGS Best Practice Guidelines for Variant Classification in Rare Disease 2020. Collection method: clinical testing. Allele origin: germline. Affected: yes. Observed: 1 variant allele.

Institute of Human Genetics, University of Leipzig Medical Center
Classification: Likely benign for Developmental and epileptic encephalopathy, 36. Last evaluated: 2019-01-01. Review status: criteria provided, single submitter. Criteria: ACMG Guidelines, 2015. Collection method: clinical testing. Allele origin: unknown. Affected: no.
Comment: This variant was identified as compound heterozygous.